The following is an entry in ClinVar:

NM_001267550.2(TTN):c.22386T>C (p.Asp7462=)

Gene: TTN (titin; minus strand). Cytogenetic location: 2q31.2.
Variant type: single nucleotide variant.
Coding change: c.22386T>C on transcript NM_001267550.2 (MANE Select); coding-DNA position 22386, T replaced by C.
Protein change: p.Asp7462=; no amino-acid change (aspartic acid 7462 retained).
Molecular consequence: synonymous variant. On other transcripts: intron variant (3).
Genome position (GRCh38, 1-based): chr2:178,722,401, A>G on the plus strand (T>C on the coding strand, the complement: TTN is on the minus strand). VCF-style: chr2-178722401-A-G. GRCh37 (hg19) VCF-style: chr2-179587128-A-G.
Other names: c.21435T>C, p.Asp7145= (NM_001256850.1); c.18654T>C, p.Asp6218= (NM_133378.4); c.13282+15681T>C (NM_003319.4); c.13858+15681T>C (NM_133437.4); c.13657+15681T>C (NM_133432.3).
Identifiers: ClinVar variation 2931442 (VCV002931442.25), dbSNP rs183482849, ClinGen allele CA2000844.

ClinVar aggregate classification (germline): Likely benign. Review status: criteria provided, multiple submitters, no conflicts (2 of 4 stars). 2 submissions from 2 submitters: Likely benign (2). Last evaluated 2023-12-01.

Conditions:
Dilated cardiomyopathy 1G (CMD1G). Identifiers: Orphanet 154, MedGen C1858763, MONDO:0011400, OMIM 604145.
Autosomal recessive limb-girdle muscular dystrophy type 2J (LGMDR10). Also called: Limb-girdle muscular dystrophy, type 2J; MUSCULAR DYSTROPHY, LIMB-GIRDLE, AUTOSOMAL RECESSIVE 10. Identifiers: Orphanet 140922, MedGen C1837342, MONDO:0012127, OMIM 608807.

gnomAD v4.1: 2 of 1,613,432 alleles (0.00012%); highest among the groups gnomAD compares: Middle Eastern, 0.017%; no homozygotes.

Submissions (2):

CeGaT Center for Human Genetics Tuebingen
Classification: Likely benign. Last evaluated: 2023-12-01. Review status: criteria provided, single submitter. Criteria: CeGaT Center For Human Genetics Tuebingen Variant Classification Criteria Version 2. Collection method: clinical testing. Allele origin: germline. Affected: yes. Observed: 2 variant alleles.
Comment: TTN: BP4, BP7

Labcorp Genetics (formerly Invitae), Labcorp
Classification: Likely benign for Dilated cardiomyopathy 1G; Autosomal recessive limb-girdle muscular dystrophy type 2J. Last evaluated: 2023-04-14. Review status: criteria provided, single submitter. Criteria: Invitae Variant Classification Sherloc (09022015). Collection method: clinical testing. Allele origin: germline.